The following is an entry in ClinVar:

ClinVar aggregate classification (germline): Uncertain significance. Review status: criteria provided, multiple submitters, no conflicts (2 of 4 stars). 3 submissions from 3 submitters: Uncertain significance (3). Last evaluated 2021-04-12.

Conditions:
Luscan-Lumish syndrome. Identifiers: Orphanet 597738, MedGen C4085873, MONDO:0014791, OMIM 616831.
Intellectual disability. Also called: Intellectual developmental disorder; Intellectual functioning disability; intellectual disabilities. Identifiers: MedGen C3714756, MeSH D008607, MONDO:0001071, HP:0001249.

Submissions (3):

Revvity Omics, Revvity
Classification: Uncertain significance. Last evaluated: 2021-04-12. Review status: criteria provided, single submitter. Criteria: ACMG Guidelines, 2015. Collection method: clinical testing. Allele origin: germline.

Cambridge Genomics Laboratory, East Genomic Laboratory Hub, NHS Genomic Medicine Service
Classification: Uncertain significance for Intellectual disability. Last evaluated: 2020-02-11. Review status: criteria provided, single submitter. Criteria: ACGS Best Practice Guidelines for Variant Classification in Rare Disease 2020. Collection method: clinical testing. Allele origin: germline. Affected: yes. Observed: 1 variant allele.

Labcorp Genetics (formerly Invitae), Labcorp
Classification: Uncertain significance for Luscan-Lumish syndrome. Last evaluated: 2019-01-08. Review status: criteria provided, single submitter. Criteria: Invitae Variant Classification Sherloc (09022015). Collection method: clinical testing. Allele origin: germline.
Comment: In summary, the available evidence is currently insufficient to determine the role of this variant in disease. Therefore, it has been classified as a Variant of Uncertain Significance. Algorithms developed to predict the effect of missense changes on protein structure and function (SIFT, PolyPhen-2, Align-GVGD) all suggest that this variant is likely to be tolerated, but these predictions have not been confirmed by published functional studies and their clinical significance is uncertain. This variant has not been reported in the literature in individuals with SETD2-related conditions. This variant is not present in population databases (ExAC no frequency). This sequence change replaces methionine with threonine at codon 1080 of the SETD2 protein (p.Met1080Thr). The methionine residue is weakly conserved and there is a moderate physicochemical difference between methionine and threonine.

NM_014159.7(SETD2):c.3239T>C (p.Met1080Thr)

Gene: SETD2 (SET domain containing 2, histone lysine methyltransferase; minus strand). Cytogenetic location: 3p21.31.
Variant type: single nucleotide variant.
Coding change: c.3239T>C on transcript NM_014159.7 (MANE Select); coding-DNA position 3239, T replaced by C.
Protein change: p.Met1080Thr; replaces methionine 1080 with threonine.
Molecular consequence: missense variant. On other transcripts: non-coding transcript variant (1).
Genome position (GRCh38, 1-based): chr3:47,121,397, A>G on the plus strand (T>C on the coding strand, the complement: SETD2 is on the minus strand). VCF-style: chr3-47121397-A-G. GRCh37 (hg19) VCF-style: chr3-47162887-A-G.
Other names: c.3107T>C, p.Met1036Thr (NM_001349370.3); short protein forms M1036T, M1080T.
Identifiers: ClinVar variation 846031 (VCV000846031.10), dbSNP rs2043080502, ClinGen allele CA352523241.